The following is an entry in ClinVar:

NM_000277.3(PAH):c.1066T>C (p.Tyr356His)

Gene: PAH (phenylalanine hydroxylase; minus strand). Cytogenetic location: 12q23.2.
Variant type: single nucleotide variant.
Coding change: c.1066T>C on transcript NM_000277.3 (MANE Select); coding-DNA position 1066, T replaced by C.
Protein change: p.Tyr356His; replaces tyrosine 356 with histidine.
Molecular consequence: missense variant.
Genome position (GRCh38, 1-based): chr12:102,843,779, A>G on the plus strand (T>C on the coding strand, the complement: PAH is on the minus strand). VCF-style: chr12-102843779-A-G. GRCh37 (hg19) VCF-style: chr12-103237557-A-G.
Other names: c.1066T>C, p.Tyr356His (NM_001354304.2); c.1066T>C (NM_000277.2); short protein forms Y356H.
Identifiers: ClinVar variation 102512 (VCV000102512.9), dbSNP rs62507320, ClinGen allele CA229325.

ClinVar aggregate classification (germline): Uncertain significance. Review status: reviewed by expert panel (3 of 4 stars). 4 submissions from 4 submitters: Uncertain significance (1). 3 of the submissions do not count toward it. Last evaluated 2019-12-23.

Conditions:
Phenylketonuria (PKU). Also called: Phenylketonuria (PKU); FOLLING DISEASE; OLIGOPHRENIA PHENYLPYRUVICA; Phenylketonurias. Identifiers: Orphanet 716, MedGen C0031485, MONDO:0009861, OMIM 261600. Disease mechanism: loss of function.

Allele frequency attached by ClinVar (database versions not stated): gnomAD 0.00003; ExAC 0.00007; gnomAD exomes 0.00016 and 0.00008; TOPMed 0.00005; ESP Exome Variant Server 0.00023.
gnomAD v4.1: 243 of 1,613,548 alleles (0.015%); highest among the groups gnomAD compares: Non-Finnish European, 0.019%; no homozygotes.

Submissions (4):

ClinGen PAH Variant Curation Expert Panel
Classification: Uncertain significance for Phenylketonuria. Last evaluated: 2019-12-23. Review status: reviewed by expert panel. Criteria: ClinGen PAH ACMG Specifications v1. Collection method: curation. Allele origin: germline. Inheritance: Autosomal recessive inheritance.
Comment: The c.1066T>C (p.Tyr356His variant in PAH has been not reported in a patient with PAH deficiency (to our knowledge). It was reported to the BioPKU database by Tyfield in 1996. This variant has an extremely low frequency in gnomAD (MAF=0.00016). There are conflicting interpretations of pathogenicity: SIFT (T); PolyPhen2 (P); MutationTaster (D); REVEL=0.794. In summary, this variant meets criteria to be classified as uncertain significance for PAH. PAH-specific ACMG/AMP criteria applied: PM2.

Labcorp Genetics (formerly Invitae), Labcorp
Classification: Pathogenic for Phenylketonuria. Last evaluated: 2025-09-01. Review status: criteria provided, single submitter. Criteria: Invitae Variant Classification Sherloc (09022015). Collection method: clinical testing. Allele origin: germline. Not counted in ClinVar's aggregate classification.
Comment: This sequence change replaces tyrosine, which is neutral and polar, with histidine, which is basic and polar, at codon 356 of the PAH protein (p.Tyr356His). This variant is present in population databases (rs62507320, gnomAD 0.02%). This missense change has been observed in individual(s) with hyperphenylalaninemia (PMID: 32668217; BIOPKU). ClinVar contains an entry for this variant (Variation ID: 102512). An algorithm developed to predict the effect of missense changes on protein structure and function outputs the following: PolyPhen-2: "Possibly Damaging". The histidine amino acid residue is found in multiple mammalian species, which suggests that this missense change does not adversely affect protein function. For these reasons, this variant has been classified as Pathogenic.

Natera, Inc.
Classification: Likely pathogenic for Phenylketonuria. Last evaluated: 2025-08-12. Review status: criteria provided, single submitter. Criteria: Natera Variant Classification Schema (03/2026). Collection method: clinical testing. Allele origin: germline. Not counted in ClinVar's aggregate classification.
Comment: The c.1066T>C variant in PAH is a missense variant predicted to cause substitution of tyrosine to histidine at amino acid 356. This variant is rare in the general population with a frequency below the threshold expected for the associated phenotype(s). This variant has been observed in one or more individuals affected with the associated recessive disease, as either homozygous or compound heterozygous with a second variant (PMID: 32668217). Computational prediction algorithms indicate this variant is likely to affect gene or protein function. Given the available evidence, this variant is classified as Likely Pathogenic.

DeBelle Laboratory for Biochemical Genetics, MUHC/MCH RESEARCH INSTITUTE
No classification provided. Review status: no classification provided. Collection method: not provided. Allele origin: not provided. Not counted in ClinVar's aggregate classification.

Literature cited by the submitters: PubMed 32668217 (cited by Labcorp Genetics (formerly Invitae), Labcorp and Natera, Inc.).